The following is an entry in ClinVar:

ClinVar aggregate classification (germline): Uncertain significance (1 of 4 stars; one submission).

Conditions:
Charcot-Marie-Tooth disease dominant intermediate C (CMTDIC). Also called: CHARCOT-MARIE-TOOTH NEUROPATHY, DOMINANT INTERMEDIATE C. Identifiers: Orphanet 100045, MedGen C1842237, MONDO:0012012, OMIM 608323.

Submission:

Labcorp Genetics (formerly Invitae), Labcorp
Classification: Uncertain significance for Charcot-Marie-Tooth disease dominant intermediate C. Last evaluated: 2020-03-09. Review status: criteria provided, single submitter. Criteria: Invitae Variant Classification Sherloc (09022015). Collection method: clinical testing. Allele origin: germline.
Comment: This sequence change replaces alanine with glycine at codon 201 of the YARS protein (p.Ala201Gly). The alanine residue is weakly conserved and there is a small physicochemical difference between alanine and glycine. This variant is not present in population databases (ExAC no frequency). This variant has not been reported in the literature in individuals with YARS-related conditions. Algorithms developed to predict the effect of missense changes on protein structure and function are either unavailable or do not agree on the potential impact of this missense change (SIFT: "Not Available"; PolyPhen-2: "Benign"; Align-GVGD: "Not Available"). In summary, the available evidence is currently insufficient to determine the role of this variant in disease. Therefore, it has been classified as a Variant of Uncertain Significance.

NM_003680.4(YARS1):c.602C>G (p.Ala201Gly)

Gene: YARS1 (tyrosyl-tRNA synthetase 1; minus strand). Cytogenetic location: 1p35.1.
Variant type: single nucleotide variant.
Coding change: c.602C>G on transcript NM_003680.4 (MANE Select); coding-DNA position 602, C replaced by G.
Protein change: p.Ala201Gly; replaces alanine 201 with glycine.
Molecular consequence: missense variant.
Genome position (GRCh38, 1-based): chr1:32,791,244, G>C on the plus strand (C>G on the coding strand, the complement: YARS1 is on the minus strand). VCF-style: chr1-32791244-G-C. GRCh37 (hg19) VCF-style: chr1-33256845-G-C.
Other names: short protein forms A201G.
Identifiers: ClinVar variation 1014033 (VCV001014033.7), dbSNP rs1380442148, ClinGen allele CA339686454.